The following is an entry in ClinVar:

NM_014249.4(NR2E3):c.205G>A (p.Gly69Ser)

Gene: NR2E3 (nuclear receptor subfamily 2 group E member 3; plus strand). Cytogenetic location: 15q23.
Variant type: single nucleotide variant.
Coding change: c.205G>A on transcript NM_014249.4 (MANE Select); coding-DNA position 205, G replaced by A.
Protein change: p.Gly69Ser; replaces glycine 69 with serine.
Molecular consequence: missense variant.
Genome position (GRCh38, 1-based): chr15:71,811,569, G>A. VCF-style: chr15-71811569-G-A. GRCh37 (hg19) VCF-style: chr15-72103909-G-A.
Other names: c.205G>A, p.Gly69Ser (NM_016346.4); short protein forms G69S.
Identifiers: ClinVar variation 282267 (VCV000282267.19), dbSNP rs200102936, ClinGen allele CA7640242.

ClinVar aggregate classification (germline): Conflicting classifications of pathogenicity. Review status: criteria provided, conflicting classifications (1 of 4 stars). 8 submissions from 7 submitters: Uncertain significance (4); Likely benign (2). 2 of the submissions do not count toward it. Last evaluated 2026-06-20.

Conditions:
NR2E3-related disorder. Also called: NR2E3-related disorders; NR2E3-related condition. Identifiers: MedGen CN239387.
Retinal dystrophy. Also called: Inherited retinal dystrophy. Identifiers: Orphanet 71862, MedGen C0854723, MeSH D058499, MONDO:0019118, HP:0000556.
Retinitis pigmentosa (RP). Identifiers: Orphanet 791, MedGen C0035334, MeSH D012174, MONDO:0019200, OMIM 268000. Inheritance: Autosomal dominant, autosomal recessive and X linked inheritance.
Enhanced S-cone syndrome (ESCS). Identifiers: Orphanet 53540, MedGen C1849394, MONDO:0100288, MONDO:0009989.

Allele frequency attached by ClinVar (database versions not stated): gnomAD 0.00026 and 0.00028; TOPMed 0.00027; gnomAD exomes 0.00033 and 0.00057; ESP Exome Variant Server 0.00064; ExAC 0.00068.
gnomAD v4.1: 843 of 1,603,650 alleles (0.053%); highest among the groups gnomAD compares: Non-Finnish European, 0.067%; 1 homozygote.

Submissions (8):

PreventionGenetics, part of Exact Sciences
Classification: Uncertain significance for NR2E3-related condition. Last evaluated: 2026-06-20. Review status: criteria provided, single submitter. Criteria: ACMG Guidelines, 2015. Collection method: clinical testing. Allele origin: germline.
Comment: The NR2E3 c.205G>A variant is predicted to result in the amino acid substitution p.Gly69Ser. This variant was previously reported in at least one individual with retinal disease (Schorderet et al. 2009. PubMed ID: 19718767). However, this variant is reported in 0.057% of alleles in individuals of European (Non-Finnish) descent in gnomAD, which may be too common to be an unreported cause of disease. Although we suspect that this variant may be benign, at this time, the clinical significance of this variant is uncertain due to the absence of conclusive functional and genetic evidence.

Labcorp Genetics (formerly Invitae), Labcorp
Classification: Uncertain significance. Last evaluated: 2025-01-14. Review status: criteria provided, single submitter. Criteria: Invitae Variant Classification Sherloc (09022015). Collection method: clinical testing. Allele origin: germline.
Comment: This sequence change replaces glycine, which is neutral and non-polar, with serine, which is neutral and polar, at codon 69 of the NR2E3 protein (p.Gly69Ser). This variant is present in population databases (rs200102936, gnomAD 0.06%). This missense change has been observed in individual(s) with retinal disease (PMID: 19718767). ClinVar contains an entry for this variant (Variation ID: 282267). Invitae Evidence Modeling of protein sequence and biophysical properties (such as structural, functional, and spatial information, amino acid conservation, physicochemical variation, residue mobility, and thermodynamic stability) indicates that this missense variant is not expected to disrupt NR2E3 protein function with a negative predictive value of 80%. In summary, the available evidence is currently insufficient to determine the role of this variant in disease. Therefore, it has been classified as a Variant of Uncertain Significance.

Blueprint Genetics
Classification: Likely benign. Last evaluated: 2024-10-31. Review status: criteria provided, single submitter. Criteria: ACMG Guidelines, 2015. Collection method: clinical testing. Allele origin: germline.

Illumina Laboratory Services, Illumina
Classification: Uncertain significance for ENHANCED S-CONE SYNDROME 1. Last evaluated: 2018-01-12. Review status: criteria provided, single submitter. Criteria: ICSL Variant Classification Criteria 13 December 2019. Collection method: clinical testing. Allele origin: germline.

Illumina Laboratory Services, Illumina
Classification: Likely benign for Retinitis pigmentosa. Last evaluated: 2018-01-12. Review status: criteria provided, single submitter. Criteria: ICSL Variant Classification Criteria 13 December 2019. Collection method: clinical testing. Allele origin: germline.
Comment: This variant was observed in the ICSL laboratory as part of a predisposition screen in an ostensibly healthy population. It had not been previously curated by ICSL or reported in the Human Gene Mutation Database (HGMD: prior to June 1st, 2018), and was therefore a candidate for classification through an automated scoring system. Utilizing variant allele frequency, disease prevalence and penetrance estimates, and inheritance mode, an automated score was calculated to assess if this variant is too frequent to cause the disease. Based on the score and internal cut-off values, a variant classified as likely benign is not then subjected to further curation. The score for this variant resulted in a classification of likely benign for this disease.

Eurofins Ntd Llc (ga)
Classification: Uncertain significance. Last evaluated: 2016-01-13. Review status: criteria provided, single submitter. Criteria: EGL Classification Definitions 2015. Collection method: clinical testing. Allele origin: germline. Observed: 1 variant allele, 1 heterozygote.

Institute of Human Genetics, Univ. Regensburg, Univ. Regensburg
Classification: Uncertain significance for Retinal dystrophy. Last evaluated: 2022-01-01. Review status: no assertion criteria provided. Criteria: ACMG Guidelines, 2015. Collection method: clinical testing. Allele origin: germline. Affected: yes. Not counted in ClinVar's aggregate classification.

Natera, Inc.
Classification: Uncertain significance for Enhanced S cone syndrome. Last evaluated: 2020-01-22. Review status: no assertion criteria provided. Collection method: clinical testing. Allele origin: germline. Not counted in ClinVar's aggregate classification.

Literature cited by the submitters: PubMed 19718767 (cited by Labcorp Genetics (formerly Invitae), Labcorp).